The following is an entry in ClinVar:

NM_001375808.2(LPIN2):c.*3015T>C

Gene: LPIN2 (lipin 2; minus strand). Cytogenetic location: 18p11.31.
Variant type: single nucleotide variant.
Coding change: c.*3015T>C on transcript NM_001375808.2 (MANE Select); 3015 bases downstream of the stop codon, T replaced by C.
Molecular consequence: 3 prime UTR variant.
Genome position (GRCh38, 1-based): chr18:2,917,278, A>G on the plus strand (T>C on the coding strand, the complement: LPIN2 is on the minus strand). VCF-style: chr18-2917278-A-G. GRCh37 (hg19) VCF-style: chr18-2917276-A-G.
Other names: c.*3015T>C (NM_001375809.1, NM_014646.2).
Identifiers: ClinVar variation 326547 (VCV000326547.5), dbSNP rs14916, ClinGen allele CA10651453.

ClinVar aggregate classification (germline): Benign (1 of 4 stars; one submission).

Conditions:
Majeed syndrome (MJDS). Also called: CHRONIC RECURRENT MULTIFOCAL OSTEOMYELITIS 1, WITH CONGENITAL DYSERYTHROPOIETIC ANEMIA, WITH OR WITHOUT NEUTROPHILIC DERMATOSIS; LPIN2-Related Majeed Syndrome. Identifiers: Orphanet 77297, MedGen C1864997, MONDO:0012316, OMIM 609628.

Allele frequency attached by ClinVar (database versions not stated): gnomAD 0.00512 and 0.00541; TOPMed 0.00606; 1000 Genomes Project 0.00719; 1000 Genomes Project 30x 0.00828.

Submission:

Illumina Laboratory Services, Illumina
Classification: Benign for Majeed syndrome. Last evaluated: 2018-01-12. Review status: criteria provided, single submitter. Criteria: ICSL Variant Classification Criteria 13 December 2019. Collection method: clinical testing. Allele origin: germline.
Comment: This variant was observed in the ICSL laboratory as part of a predisposition screen in an ostensibly healthy population. It had not been previously curated by ICSL or reported in the Human Gene Mutation Database (HGMD: prior to June 1st, 2018), and was therefore a candidate for classification through an automated scoring system. Utilizing variant allele frequency, disease prevalence and penetrance estimates, and inheritance mode, an automated score was calculated to assess if this variant is too frequent to cause the disease. Based on the score and internal cut-off values, a variant classified as benign is not then subjected to further curation. The score for this variant resulted in a classification of benign for this disease.